The following is an entry in ClinVar:

ClinVar aggregate classification (germline): Likely benign. Review status: criteria provided, multiple submitters, no conflicts (2 of 4 stars). 3 submissions from 3 submitters: Likely benign (3). Last evaluated 2025-10-01.

Conditions:
PBX1-related disorder. Also called: PBX1-related condition.

Allele frequency attached by ClinVar (database versions not stated): ExAC 0.00007; gnomAD 0.00007; TOPMed 0.00010; gnomAD exomes 0.00014; ESP Exome Variant Server 0.00015.
gnomAD v4.1: 206 of 1,613,970 alleles (0.013%); highest among the groups gnomAD compares: Non-Finnish European, 0.016%; no homozygotes.

Submissions (3):

CeGaT Center for Human Genetics Tuebingen
Classification: Likely benign. Last evaluated: 2025-10-01. Review status: criteria provided, single submitter. Criteria: CeGaT Center For Human Genetics Tuebingen Variant Classification Criteria Version 2. Collection method: clinical testing. Allele origin: germline. Affected: yes. Observed: 1 variant allele.
Comment: PBX1: BP4, BP7

Labcorp Genetics (formerly Invitae), Labcorp
Classification: Likely benign. Last evaluated: 2025-07-16. Review status: criteria provided, single submitter. Criteria: Invitae Variant Classification Sherloc (09022015). Collection method: clinical testing. Allele origin: germline.

PreventionGenetics, part of Exact Sciences
Classification: Likely benign for PBX1-related condition. Last evaluated: 2024-12-26. Review status: criteria provided, single submitter. Criteria: ACMG Guidelines, 2015. Collection method: clinical testing. Allele origin: germline.
Comment: This variant is classified as likely benign based on ACMG/AMP sequence variant interpretation guidelines (Richards et al. 2015 PMID: 25741868, with internal and published modifications).

NM_002585.4(PBX1):c.1263T>C (p.Pro421=)

Gene: PBX1 (PBX homeobox 1; plus strand). Cytogenetic location: 1q23.3.
Variant type: single nucleotide variant.
Coding change: c.1263T>C on transcript NM_002585.4 (MANE Select); coding-DNA position 1263, T replaced by C.
Protein change: p.Pro421=; no amino-acid change (proline 421 retained).
Molecular consequence: synonymous variant. On other transcripts: 3 prime UTR variant (1), intron variant (2).
Genome position (GRCh38, 1-based): chr1:164,846,646, T>C. VCF-style: chr1-164846646-T-C. GRCh37 (hg19) VCF-style: chr1-164815883-T-C.
Other names: c.*106T>C (NM_001204961.2); c.1014T>C, p.Pro338= (NM_001353130.1); c.*43+25020T>C (NM_001353131.2); c.1201-2694T>C (NM_001204963.2); c.1263T>C (NM_002585.3).
Identifiers: ClinVar variation 2760720 (VCV002760720.10), dbSNP rs369700366, ClinGen allele CA1219550.